The following is an entry in ClinVar:

ClinVar aggregate classification (germline): Uncertain significance. Review status: criteria provided, multiple submitters, no conflicts (2 of 4 stars). 2 submissions from 2 submitters: Uncertain significance (2). Last evaluated 2025-12-22.

Conditions:
Duchenne muscular dystrophy (DMD). Also called: MUSCULAR DYSTROPHY, PSEUDOHYPERTROPHIC PROGRESSIVE, DUCHENNE TYPE; Duchenne Muscular Dystrophy (DMD). Identifiers: Orphanet 98896, MedGen C0013264, MONDO:0010679, OMIM 310200.
Cardiovascular phenotype. Identifiers: MedGen CN230736.

Allele frequency attached by ClinVar (database versions not stated): gnomAD exomes 0.00001.
gnomAD v4.1: 5 of 1,210,490 alleles (0.00041%); highest among the groups gnomAD compares: East Asian, 0.015%; no homozygotes.

Submissions (2):

Ambry Genetics
Classification: Uncertain significance for Cardiovascular phenotype. Last evaluated: 2025-12-22. Review status: criteria provided, single submitter. Criteria: Ambry Variant Classification Scheme 2023. Collection method: clinical testing. Allele origin: germline.

Labcorp Genetics (formerly Invitae), Labcorp
Classification: Uncertain significance for Duchenne muscular dystrophy. Last evaluated: 2024-08-15. Review status: criteria provided, single submitter. Criteria: Invitae Variant Classification Sherloc (09022015). Collection method: clinical testing. Allele origin: germline.
Comment: This sequence change replaces glutamic acid, which is acidic and polar, with glycine, which is neutral and non-polar, at codon 1620 of the DMD protein (p.Glu1620Gly). This variant is not present in population databases (gnomAD no frequency). This variant has not been reported in the literature in individuals affected with DMD-related conditions. ClinVar contains an entry for this variant (Variation ID: 1743609). Invitae Evidence Modeling of protein sequence and biophysical properties (such as structural, functional, and spatial information, amino acid conservation, physicochemical variation, residue mobility, and thermodynamic stability) indicates that this missense variant is not expected to disrupt DMD protein function with a negative predictive value of 95%. In summary, the available evidence is currently insufficient to determine the role of this variant in disease. Therefore, it has been classified as a Variant of Uncertain Significance.

NM_004006.3(DMD):c.4859A>G (p.Glu1620Gly)

Gene: DMD (dystrophin; minus strand). Cytogenetic location: Xp21.1.
Variant type: single nucleotide variant.
Coding change: c.4859A>G on transcript NM_004006.3 (MANE Select); coding-DNA position 4859, A replaced by G.
Protein change: p.Glu1620Gly; replaces glutamic acid 1620 with glycine.
Molecular consequence: missense variant.
Genome position (GRCh38, 1-based): chrX:32,365,186, T>C on the plus strand (A>G on the coding strand, the complement: DMD is on the minus strand). VCF-style: chrX-32365186-T-C. GRCh37 (hg19) VCF-style: chrX-32383303-T-C.
Other names: c.4835A>G, p.Glu1612Gly (NM_000109.4); c.4847A>G, p.Glu1616Gly (NM_004009.3); c.4490A>G, p.Glu1497Gly (NM_004010.3); c.836A>G, p.Glu279Gly (NM_004011.4); c.827A>G, p.Glu276Gly (NM_004012.4); short protein forms E1497G, E1612G, E1616G, E1620G, E279G, E276G.
Identifiers: ClinVar variation 1743609 (VCV001743609.5), dbSNP rs2147261386, ClinGen allele CA412672575.